The following is an entry in ClinVar:

ClinVar aggregate classification (germline): Conflicting classifications of pathogenicity. Review status: criteria provided, conflicting classifications (1 of 4 stars). 2 submissions from 2 submitters: Uncertain significance (1); Likely benign (1). Last evaluated 2023-11-05.

Conditions:
Hereditary breast ovarian cancer syndrome. Also called: Hereditary breast and ovarian cancer; Hereditary breast and ovarian cancer syndrome; BRCA1- and BRCA2-Associated Hereditary Breast and Ovarian Cancer; Hereditary breast and ovarian cancer syndrome (HBOC); Breast and ovarian cancer; Hereditary breast and/or ovarian cancer syndrome. Identifiers: Orphanet 145, MedGen C0677776, MeSH D061325, MONDO:0003582. Disease mechanism: loss of function.

Allele frequency attached by ClinVar (database versions not stated): gnomAD exomes 0.00001.
gnomAD v4.1: 5 of 1,613,458 alleles (0.00031%); highest among the groups gnomAD compares: Non-Finnish European, 0.00042%; no homozygotes.

Submissions (2):

Labcorp Genetics (formerly Invitae), Labcorp
Classification: Likely benign for Hereditary breast ovarian cancer syndrome. Last evaluated: 2023-11-05. Review status: criteria provided, single submitter. Criteria: Invitae Variant Classification Sherloc (09022015). Collection method: clinical testing. Allele origin: germline.

Quest Diagnostics Nichols Institute San Juan Capistrano
Classification: Uncertain significance. Last evaluated: 2022-09-09. Review status: criteria provided, single submitter. Criteria: Quest Diagnostics criteria. Collection method: clinical testing. Allele origin: unknown.
Comment: This variant has not been reported in the published literature. It also has not been reported in large, multi-ethnic general populations. Analysis of this variant using software algorithms for the prediction of the effect of nucleotide changes on splicing yielded predictions that this variant does not affect BRCA2 mRNA splicing . Based on the available information, we are unable to determine the clinical significance of this variant.

NM_000059.4(BRCA2):c.7647C>T (p.Cys2549=)

Gene: BRCA2 (BRCA2 DNA repair associated; plus strand). Cytogenetic location: 13q13.1.
Variant type: single nucleotide variant.
Coding change: c.7647C>T on transcript NM_000059.4 (MANE Select); coding-DNA position 7647, C replaced by T.
Protein change: p.Cys2549=; no amino-acid change (cysteine 2549 retained).
Molecular consequence: synonymous variant. On other transcripts: non-coding transcript variant (1).
Genome position (GRCh38, 1-based): chr13:32,357,771, C>T. VCF-style: chr13-32357771-C-T. GRCh37 (hg19) VCF-style: chr13-32931908-C-T.
Other names: c.7551C>T, p.Cys2517= (NM_001406719.1); c.7647C>T, p.Cys2549= (NM_001406720.1); c.2715C>T, p.Cys905= (NM_001406721.1); c.1230C>T, p.Cys410= (NM_001406722.1).
Identifiers: ClinVar variation 1985340 (VCV001985340.5), dbSNP rs80358993, ClinGen allele CA483439151.